The following is an entry in ClinVar:

ClinVar aggregate classification (germline): Likely pathogenic (1 of 4 stars; one submission).

gnomAD v4.1: 1 of 1,613,984 alleles (0.000062%); highest among the groups gnomAD compares: African/African-American, 0.0013%; no homozygotes.

Submission:

GeneDx
Classification: Likely pathogenic. Last evaluated: 2023-12-21. Review status: criteria provided, single submitter. Criteria: GeneDx Variant Classification Process June 2021. Collection method: clinical testing. Allele origin: germline. Affected: yes.
Comment: Canonical splice site variant predicted to result in a null allele in a gene for which loss of function is a known mechanism of disease; Not observed at significant frequency in large population cohorts (gnomAD); Has not been previously published as pathogenic or benign to our knowledge

NM_000110.4(DPYD):c.2300-1G>C

Genes: DPYD (dihydropyrimidine dehydrogenase; minus strand), DPYD-AS1 (DPYD antisense RNA 1; plus strand). Cytogenetic location: 1p21.3.
Variant type: single nucleotide variant.
Coding change: c.2300-1G>C on transcript NM_000110.4 (MANE Select); the canonical splice acceptor site of the intron before coding-DNA position 2300, G replaced by C.
Molecular consequence: splice acceptor variant.
Genome position (GRCh38, 1-based): chr1:97,234,995, C>G on the plus strand (G>C on the coding strand, the complement: DPYD is on the minus strand). VCF-style: chr1-97234995-C-G. GRCh37 (hg19) VCF-style: chr1-97700551-C-G.
Identifiers: ClinVar variation 3342367 (VCV003342367.1).